The following is an entry in ClinVar:

ClinVar aggregate classification (germline): Pathogenic (1 of 4 stars; one submission).

Conditions:
Early-infantile DEE. Also called: Early infantile epileptic encephalopathy; Ohtahara syndrome; Early infantile epileptic encephalopathy with suppression bursts. Identifiers: Orphanet 1934, MedGen C0393706, MONDO:0800491.

Submission:

Labcorp Genetics (formerly Invitae), Labcorp
Classification: Pathogenic for Early-infantile DEE. Last evaluated: 2023-12-14. Review status: criteria provided, single submitter. Criteria: Invitae Variant Classification Sherloc (09022015). Collection method: clinical testing. Allele origin: germline.
Comment: This sequence change affects an acceptor splice site in intron 11 of the SCN1A gene. It is expected to disrupt RNA splicing. Variants that disrupt the donor or acceptor splice site typically lead to a loss of protein function (PMID: 16199547), and loss-of-function variants in SCN1A are known to be pathogenic (PMID: 17347258, 18930999). This variant is not present in population databases (gnomAD no frequency). Disruption of this splice site has been observed in individual(s) with Dravet syndrome (PMID: 24623842). In at least one individual the variant was observed to be de novo. ClinVar contains an entry for this variant (Variation ID: 959725). Algorithms developed to predict the effect of sequence changes on RNA splicing suggest that this variant may disrupt the consensus splice site. For these reasons, this variant has been classified as Pathogenic.

Literature cited by the submitters: PubMed 16199547; PubMed 17347258; PubMed 18930999; PubMed 24623842.

NM_001165963.4(SCN1A):c.2044-1G>A

Gene: SCN1A (sodium voltage-gated channel alpha subunit 1; minus strand). Cytogenetic location: 2q24.3.
Variant type: single nucleotide variant.
Coding change: c.2044-1G>A on transcript NM_001165963.4 (MANE Select); the canonical splice acceptor site of the intron before coding-DNA position 2044, G replaced by A.
Molecular consequence: splice acceptor variant.
Genome position (GRCh38, 1-based): chr2:166,042,425, C>T on the plus strand (G>A on the coding strand, the complement: SCN1A is on the minus strand). VCF-style: chr2-166042425-C-T. GRCh37 (hg19) VCF-style: chr2-166898935-C-T.
Other names: c.2011-1G>A (NM_001353949.2, NM_001353950.2, NM_001353951.2 and 2 more transcripts); c.1960-1G>A (NM_001353958.2, NM_001353957.2, NM_001165964.3); c.2044-1G>A (NM_001202435.3, NM_001353948.2); c.2008-1G>A (NM_001353955.2, NM_001353954.2); c.1957-1G>A (NM_001353960.2); c.-415-1G>A (NM_001353961.2).
Identifiers: ClinVar variation 959725 (VCV000959725.11), dbSNP rs1697297091, ClinGen allele CA349066204.